The following is an entry in ClinVar:

ClinVar aggregate classification (germline): Uncertain significance (1 of 4 stars; one submission).

Conditions:
Hereditary cancer-predisposing syndrome. Also called: Neoplastic Syndromes, Hereditary; Tumor predisposition; Hereditary neoplastic syndrome; Hereditary Cancer Syndrome. Identifiers: Orphanet 140162, MedGen C0027672, MeSH D009386, MONDO:0015356.

Submission:

Ambry Genetics
Classification: Uncertain significance for Hereditary cancer-predisposing syndrome. Last evaluated: 2023-02-15. Review status: criteria provided, single submitter. Criteria: Ambry Variant Classification Scheme 2023. Collection method: clinical testing. Allele origin: germline.
Comment: The p.T849P variant (also known as c.2545A>C), located in coding exon 4 of the MSH6 gene, results from an A to C substitution at nucleotide position 2545. The threonine at codon 849 is replaced by proline, an amino acid with highly similar properties. This amino acid position is conserved. In addition, the in silico prediction for this alteration is inconclusive. Since supporting evidence is limited at this time, the clinical significance of this alteration remains unclear.

NM_000179.3(MSH6):c.2545A>C (p.Thr849Pro)

Gene: MSH6 (mutS homolog 6; plus strand). Cytogenetic location: 2p16.3.
Variant type: single nucleotide variant.
Coding change: c.2545A>C on transcript NM_000179.3 (MANE Select); coding-DNA position 2545, A replaced by C.
Protein change: p.Thr849Pro; replaces threonine 849 with proline.
Molecular consequence: missense variant. On other transcripts: non-coding transcript variant (5), intron variant (3).
Genome position (GRCh38, 1-based): chr2:47,800,528, A>C. VCF-style: chr2-47800528-A-C. GRCh37 (hg19) VCF-style: chr2-48027667-A-C.
Other names: c.2155A>C, p.Thr719Pro (NM_001281492.2); c.1639A>C, p.Thr547Pro (NM_001281493.2, NM_001281494.2, NM_001406811.1 and 6 more transcripts); c.2641A>C, p.Thr881Pro (NM_001406795.1, NM_001406802.1); c.2545A>C, p.Thr849Pro (NM_001406796.1, NM_001406798.1, NM_001406800.1 and 2 more transcripts); c.2248A>C, p.Thr750Pro (NM_001406797.1, NM_001406801.1, NM_001406805.1 and 10 more transcripts); c.2020A>C, p.Thr674Pro (NM_001406799.1, NM_001406806.1, NM_001406807.1); c.2467A>C, p.Thr823Pro (NM_001406804.1); c.2551A>C, p.Thr851Pro (NM_001406813.1); and 4 more; short protein forms T674P, T881P, T719P, T849P, T547P, T793P, T823P, T851P.
Identifiers: ClinVar variation 2453205 (VCV002453205.2), dbSNP rs1558665776, ClinGen allele CA346754544.